The following is an entry in ClinVar:

NM_001127464.1:c.3361G>T

Gene: ZNF469 (zinc finger protein 469; plus strand).
Variant type: single nucleotide variant.
Identifiers: ClinVar variation 4209225 (VCV004209225.1).

ClinVar aggregate classification (germline): Uncertain significance (1 of 4 stars; one submission).

Conditions:
Cardiovascular phenotype. Identifiers: MedGen CN230736.

Submission:

Ambry Genetics
Classification: Uncertain significance for Cardiovascular phenotype. Last evaluated: 2025-08-20. Review status: criteria provided, single submitter. Criteria: Ambry Variant Classification Scheme 2023. Collection method: clinical testing. Allele origin: germline.
Comment: The p.D1121Y variant (also known as c.3361G>T), located in coding exon 2 of the ZNF469 gene, results from a G to T substitution at nucleotide position 3361. The aspartic acid at codon 1121 is replaced by tyrosine, an amino acid with highly dissimilar properties. This amino acid position is conserved. In addition, this alteration is predicted to be tolerated by in silico analysis. Based on the available evidence, the clinical significance of this variant remains unclear.